The following is an entry in ClinVar:

NM_182961.4(SYNE1):c.24569A>C (p.Asp8190Ala)

Gene: SYNE1 (spectrin repeat containing nuclear envelope protein 1; minus strand). Cytogenetic location: 6q25.2.
Variant type: single nucleotide variant.
Coding change: c.24569A>C on transcript NM_182961.4 (MANE Select); coding-DNA position 24569, A replaced by C.
Protein change: p.Asp8190Ala; replaces aspartic acid 8190 with alanine.
Molecular consequence: missense variant.
Genome position (GRCh38, 1-based): chr6:152,149,550, T>G on the plus strand (A>C on the coding strand, the complement: SYNE1 is on the minus strand). VCF-style: chr6-152149550-T-G. GRCh37 (hg19) VCF-style: chr6-152470685-T-G.
Other names: c.1175A>C, p.Asp392Ala (NM_001347701.2); c.1034A>C, p.Asp345Ala (NM_001347702.2); c.24356A>C, p.Asp8119Ala (NM_033071.5); short protein forms D8119A, D8190A, D345A, D392A.
Identifiers: ClinVar variation 194300 (VCV000194300.12), dbSNP rs754128595, ClinGen allele CA240200.

ClinVar aggregate classification (germline): Uncertain significance. Review status: criteria provided, multiple submitters, no conflicts (2 of 4 stars). 2 submissions from 2 submitters: Uncertain significance (2). Last evaluated 2024-10-25.

Conditions:
Autosomal recessive ataxia, Beauce type. Also called: SYNE1 Deficiency; Spinocerebellar ataxia, autosomal recessive 8; SYNE1-Related Autosomal Recessive Cerebellar Ataxia; ATAXIA, RECESSIVE, OF BEAUCE. Identifiers: Orphanet 88644, MedGen C1853116, MONDO:0012549, OMIM 610743.
Emery-Dreifuss muscular dystrophy 4, autosomal dominant (EDMD4). Also called: EMERY-DREIFUSS MUSCULAR DYSTROPHY 4 WITH VARIABLE FEATURES. Identifiers: Orphanet 261, MedGen C2751807, MONDO:0013071, OMIM 612998.

Allele frequency attached by ClinVar (database versions not stated): gnomAD exomes below 0.00001 and 0.00002; ExAC 0.00002.
gnomAD v4.1: 2 of 1,614,200 alleles (0.00012%); highest among the groups gnomAD compares: Non-Finnish European, 0.00017%; no homozygotes.

Submissions (2):

Labcorp Genetics (formerly Invitae), Labcorp
Classification: Uncertain significance for Emery-Dreifuss muscular dystrophy 4, autosomal dominant; Autosomal recessive ataxia, Beauce type. Last evaluated: 2024-10-25. Review status: criteria provided, single submitter. Criteria: Invitae Variant Classification Sherloc (09022015). Collection method: clinical testing. Allele origin: germline.
Comment: This sequence change replaces aspartic acid, which is acidic and polar, with alanine, which is neutral and non-polar, at codon 8119 of the SYNE1 protein (p.Asp8119Ala). This variant is present in population databases (rs754128595, gnomAD 0.004%). This variant has not been reported in the literature in individuals affected with SYNE1-related conditions. ClinVar contains an entry for this variant (Variation ID: 194300). An algorithm developed to predict the effect of missense changes on protein structure and function (PolyPhen-2) suggests that this variant is likely to be disruptive. In summary, the available evidence is currently insufficient to determine the role of this variant in disease. Therefore, it has been classified as a Variant of Uncertain Significance.

Eurofins Ntd Llc (ga)
Classification: Uncertain significance. Last evaluated: 2015-04-11. Review status: criteria provided, single submitter. Criteria: EGL Classification Definitions 2015. Collection method: clinical testing. Allele origin: germline. Observed: 2 variant alleles, 2 heterozygotes.